The following is an entry in ClinVar:

NM_005045.4(RELN):c.1532C>T (p.Thr511Ile)

Gene: RELN (reelin; minus strand). Cytogenetic location: 7q22.1.
Variant type: single nucleotide variant.
Coding change: c.1532C>T on transcript NM_005045.4 (MANE Select); coding-DNA position 1532, C replaced by T.
Protein change: p.Thr511Ile; replaces threonine 511 with isoleucine.
Molecular consequence: missense variant.
Genome position (GRCh38, 1-based): chr7:103,654,115, G>A on the plus strand (C>T on the coding strand, the complement: RELN is on the minus strand). VCF-style: chr7-103654115-G-A. GRCh37 (hg19) VCF-style: chr7-103294562-G-A.
Other names: c.1532C>T, p.Thr511Ile (NM_173054.3); c.1532C>T (NM_005045.3); short protein forms T511I.
Identifiers: ClinVar variation 1446726 (VCV001446726.12), dbSNP rs372928932, ClinGen allele CA163942483.
Genomic context (GRCh38, chr7:103,654,115, plus strand): 5'-TGAGGTGGTCTATTTGCCACACAGACTGGCATGTGTACCTTATATGAGGAATAGGAAAGG[G>A]TATCCAGTGTTATATGCTCTTTTCTTCCTTCAATTTTTGCATACAGGATTATGTCATTTT-3'
Protein context (NP_005036.2, residues 501-521): EGRKEHITLD[Thr511Ile]LSYSSYKVPS

ClinVar aggregate classification (germline): Uncertain significance. Review status: criteria provided, multiple submitters, no conflicts (2 of 4 stars). 3 submissions from 3 submitters: Uncertain significance (3). Last evaluated 2025-04-21.

Conditions:
Norman-Roberts syndrome (LIS2). Also called: Lissencephaly 2 (Norman-Roberts type). Identifiers: Orphanet 89844, MedGen C0796089, MONDO:0009760, OMIM 257320.
Familial temporal lobe epilepsy 7. Identifiers: Orphanet 101046, MedGen C4225327, MONDO:0014639, OMIM 616436.
Inborn genetic diseases. Identifiers: MedGen C0950123, MeSH D030342.

Allele frequency attached by ClinVar (database versions not stated): gnomAD exomes below 0.00001; gnomAD 0.00001; ESP Exome Variant Server 0.00008.
gnomAD v4.1: 2 of 1,588,440 alleles (0.00013%); highest among the groups gnomAD compares: African/African-American, 0.0013%; no homozygotes.

Submissions (3):

Labcorp Genetics (formerly Invitae), Labcorp
Classification: Uncertain significance for Familial temporal lobe epilepsy 7; Norman-Roberts syndrome. Last evaluated: 2025-04-21. Review status: criteria provided, single submitter. Criteria: Invitae Variant Classification Sherloc (09022015). Collection method: clinical testing. Allele origin: germline.
Comment: This sequence change replaces threonine, which is neutral and polar, with isoleucine, which is neutral and non-polar, at codon 511 of the RELN protein (p.Thr511Ile). This variant is not present in population databases (gnomAD no frequency). This variant has not been reported in the literature in individuals affected with RELN-related conditions. ClinVar contains an entry for this variant (Variation ID: 1446726). Invitae Evidence Modeling of protein sequence and biophysical properties (such as structural, functional, and spatial information, amino acid conservation, physicochemical variation, residue mobility, and thermodynamic stability) indicates that this missense variant is not expected to disrupt RELN protein function with a negative predictive value of 80%. In summary, the available evidence is currently insufficient to determine the role of this variant in disease. Therefore, it has been classified as a Variant of Uncertain Significance.

Ambry Genetics
Classification: Uncertain significance for Inborn genetic diseases. Last evaluated: 2023-07-19. Review status: criteria provided, single submitter. Criteria: Ambry Variant Classification Scheme 2023. Collection method: clinical testing. Allele origin: germline.

Center for Genomics, Ann and Robert H. Lurie Children's Hospital of Chicago
Classification: Uncertain significance for Familial temporal lobe epilepsy 7; Norman-Roberts syndrome. Review status: criteria provided, single submitter. Criteria: ACMG Guidelines, 2015. Collection method: clinical testing. Allele origin: germline.
Comment: This variant has not been reported in the literature and is not present in large control databases. Evolutionary conservation and computational predictive tools for this variant are unclear. In summary, data on this variant is insufficient for disease classification. Therefore, the clinical significance of this variant is uncertain.